The following is an entry in ClinVar:

ClinVar aggregate classification (germline): Uncertain significance (1 of 4 stars; one submission).

gnomAD v4.1: 3 of 1,388,854 alleles (0.00022%); highest among the groups gnomAD compares: Admixed American, 0.0038%; no homozygotes.

Submission:

Women's Health and Genetics/Laboratory Corporation of America, LabCorp
Classification: Uncertain significance. Last evaluated: 2026-04-07. Review status: criteria provided, single submitter. Criteria: LabCorp Variant Classification Summary - May 2015. Collection method: clinical testing. Allele origin: germline.
Comment: Variant summary: IRF2BPL c.1585C>T (p.Pro529Ser) results in a non-conservative amino acid change in the encoded protein sequence. Algorithms developed to predict the effect of missense changes on protein structure and function are either unavailable or do not agree on the potential impact of this missense change. The variant allele was found at a frequency of 5.6e-05 in 17854 control chromosomes. The available data on variant occurrences in the general population are insufficient to allow any conclusion about variant significance. To our knowledge, no occurrence of c.1585C>T in individuals affected with IRF2BPL-related conditions and no experimental evidence demonstrating its impact on protein function have been reported. No submitters have cited clinical-significance assessments for this variant to ClinVar. Based on the evidence outlined above, the variant was classified as uncertain significance.

NM_024496.4(IRF2BPL):c.1585C>T (p.Pro529Ser)

Gene: IRF2BPL (interferon regulatory factor 2 binding protein like; minus strand). Cytogenetic location: 14q24.3.
Variant type: single nucleotide variant.
Coding change: c.1585C>T on transcript NM_024496.4 (MANE Select); coding-DNA position 1585, C replaced by T.
Protein change: p.Pro529Ser; replaces proline 529 with serine.
Molecular consequence: missense variant.
Genome position (GRCh38, 1-based): chr14:77,026,208, G>A on the plus strand (C>T on the coding strand, the complement: IRF2BPL is on the minus strand). VCF-style: chr14-77026208-G-A. GRCh37 (hg19) VCF-style: chr14-77492551-G-A.
Other names: short protein forms P529S.
Identifiers: ClinVar variation 4848832 (VCV004848832.1).